The following is an entry in ClinVar:

NM_014989.7(RIMS1):c.*75G>A

Gene: RIMS1 (regulating synaptic membrane exocytosis 1; plus strand). Cytogenetic location: 6q13.
Variant type: single nucleotide variant.
Coding change: c.*75G>A on transcript NM_014989.7 (MANE Select); 75 bases downstream of the stop codon, G replaced by A.
Molecular consequence: 3 prime UTR variant.
Genome position (GRCh38, 1-based): chr6:72,400,789, G>A. VCF-style: chr6-72400789-G-A. GRCh37 (hg19) VCF-style: chr6-73110491-G-A.
Other names: c.*75G>A (NM_001168407.2, NM_001168408.2, NM_001168409.2 and 60 more transcripts).
Identifiers: ClinVar variation 357867 (VCV000357867.7), dbSNP rs11751101, ClinGen allele CA10624583.
Genomic context (GRCh38, chr6:72,400,789, plus strand): 5'-AGTCATTCCAATAAAACTCTACTTTTCAGGATAATAATCTGAACCAGATATTTCATGATC[G>A]AAAGCATTGTTGGAGACAGACAATCAACTTGTGTTTTGCCTGTAGTAGTTTTTCAATAAT-3'

ClinVar aggregate classification (germline): Benign/Likely benign. Review status: criteria provided, multiple submitters, no conflicts (2 of 4 stars). 3 submissions from 3 submitters: Benign (1); Likely benign (2). Last evaluated 2018-07-11.

Conditions:
Cone-rod dystrophy 7 (CORD7). Identifiers: Orphanet 1872, MedGen C1863634, MONDO:0011355, OMIM 603649.

Allele frequency attached by ClinVar (database versions not stated): 1000 Genomes Project 0.01158; 1000 Genomes Project 30x 0.01124; TOPMed 0.01656; gnomAD exomes 0.02458; gnomAD 0.01731 and 0.01775.
gnomAD v4.1: 28,830 of 1,216,572 alleles (2.4%); highest among the groups gnomAD compares: Middle Eastern, 3.6%; 439 homozygotes.

Submissions (3):

GeneDx
Classification: Likely benign. Last evaluated: 2018-07-11. Review status: criteria provided, single submitter. Criteria: GeneDx Variant Classification Process June 2021. Collection method: clinical testing. Allele origin: germline. Affected: yes.

Illumina Laboratory Services, Illumina
Classification: Benign for Cone-rod dystrophy 7. Last evaluated: 2018-01-13. Review status: criteria provided, single submitter. Criteria: ICSL Variant Classification Criteria 13 December 2019. Collection method: clinical testing. Allele origin: germline.
Comment: This variant was observed in the ICSL laboratory as part of a predisposition screen in an ostensibly healthy population. It had not been previously curated by ICSL or reported in the Human Gene Mutation Database (HGMD: prior to June 1st, 2018), and was therefore a candidate for classification through an automated scoring system. Utilizing variant allele frequency, disease prevalence and penetrance estimates, and inheritance mode, an automated score was calculated to assess if this variant is too frequent to cause the disease. Based on the score and internal cut-off values, a variant classified as benign is not then subjected to further curation. The score for this variant resulted in a classification of benign for this disease.

Breakthrough Genomics
Classification: Likely benign. Review status: criteria provided, single submitter. Criteria: ACMG Guidelines, 2015. Collection method: not provided. Allele origin: germline. Inheritance: Autosomal dominant inheritance. Affected: yes.